The following is an entry in ClinVar:

ClinVar aggregate classification (germline): Benign/Likely benign. Review status: criteria provided, multiple submitters, no conflicts (2 of 4 stars). 3 submissions from 3 submitters: Benign (1); Likely benign (2). Last evaluated 2026-04-12.

Conditions:
Hereditary cancer-predisposing syndrome. Also called: Neoplastic Syndromes, Hereditary; Tumor predisposition; Hereditary Cancer Syndrome; Hereditary neoplastic syndrome. Identifiers: Orphanet 140162, MedGen C0027672, MeSH D009386, MONDO:0015356.
Lynch syndrome 5 (LYNCH5). Also called: Hereditary non-polyposis colorectal cancer, type 5; Colorectal cancer, hereditary nonpolyposis, type 5. Identifiers: Orphanet 144, MedGen C1833477, MONDO:0013710, OMIM 614350. Disease mechanism: loss of function.

Submissions (3):

Ambry Genetics
Classification: Likely benign for Hereditary cancer-predisposing syndrome. Last evaluated: 2026-04-12. Review status: criteria provided, single submitter. Criteria: Ambry Variant Classification Scheme 2023. Collection method: clinical testing. Allele origin: germline.

Myriad Genetics, Inc.
Classification: Benign for Lynch syndrome 5. Last evaluated: 2024-12-31. Review status: criteria provided, single submitter. Criteria: Myriad Autosomal Dominant, Autosomal Recessive and X-Linked Classification Criteria (2023). Collection method: clinical testing. Allele origin: unknown.
Comment: This variant is considered benign. This variant is a silent/synonymous amino acid change and it is not expected to impact splicing.

Color Diagnostics, LLC DBA Color Health
Classification: Likely benign for Hereditary cancer-predisposing syndrome. Last evaluated: 2021-01-05. Review status: criteria provided, single submitter. Criteria: ACMG Guidelines, 2015. Collection method: clinical testing. Allele origin: germline.

NM_000179.3(MSH6):c.2400T>A (p.Val800=)

Gene: MSH6 (mutS homolog 6; plus strand). Cytogenetic location: 2p16.3.
Variant type: single nucleotide variant.
Coding change: c.2400T>A on transcript NM_000179.3 (MANE Select); coding-DNA position 2400, T replaced by A.
Protein change: p.Val800=; no amino-acid change (valine 800 retained).
Molecular consequence: synonymous variant.
Genome position (GRCh38, 1-based): chr2:47,800,383, T>A. VCF-style: chr2-47800383-T-A. GRCh37 (hg19) VCF-style: chr2-48027522-T-A.
Other names: c.2010T>A, p.Val670= (NM_001281492.2); c.1494T>A, p.Val498= (NM_001281493.2, NM_001281494.2).
Identifiers: ClinVar variation 1171265 (VCV001171265.4), dbSNP rs267608071, ClinGen allele CA426121776.